The following is an entry in ClinVar:

NM_000382.3(ALDH3A2):c.28C>G (p.Gln10Glu)

Gene: ALDH3A2 (aldehyde dehydrogenase 3 family member A2; plus strand). Cytogenetic location: 17p11.2.
Variant type: single nucleotide variant.
Coding change: c.28C>G on transcript NM_000382.3 (MANE Select); coding-DNA position 28, C replaced by G.
Protein change: p.Gln10Glu; replaces glutamine 10 with glutamic acid.
Molecular consequence: missense variant. On other transcripts: 5 prime UTR variant (1).
Genome position (GRCh38, 1-based): chr17:19,648,999, C>G. VCF-style: chr17-19648999-C-G. GRCh37 (hg19) VCF-style: chr17-19552312-C-G.
Other names: c.28C>G, p.Gln10Glu (NM_001031806.2, NM_001369136.1, NM_001369137.2 and 3 more transcripts); c.-661C>G (NM_001369148.2); short protein forms Q10E.
Identifiers: ClinVar variation 495853 (VCV000495853.62), dbSNP rs72547554, ClinGen allele CA8442704.

ClinVar aggregate classification (germline): Conflicting classifications of pathogenicity. Review status: criteria provided, conflicting classifications (1 of 4 stars). 9 submissions from 9 submitters: Uncertain significance (1); Benign (2); Likely benign (3). 3 of the submissions do not count toward it. Last evaluated 2026-09-01.

Conditions:
Sjögren-Larsson syndrome (SLS). Also called: FALDH DEFICIENCY; FATTY ALCOHOL:NAD+ OXIDOREDUCTASE DEFICIENCY; FATTY ALDEHYDE DEHYDROGENASE DEFICIENCY; ICHTHYOSIS, SPASTIC NEUROLOGIC DISORDER, AND OLIGOPHRENIA. Identifiers: Orphanet 816, MedGen C0037231, MONDO:0010031, OMIM 270200.
ALDH3A2-related disorder. Also called: ALDH3A2-related condition.

Allele frequency attached by ClinVar (database versions not stated): gnomAD 0.00421 and 0.00406; ESP Exome Variant Server 0.00452; 1000 Genomes Project 30x 0.00062; 1000 Genomes Project 0.00080; TOPMed 0.00391.
gnomAD v4.1: 8,680 of 1,585,796 alleles (0.55%); highest among the groups gnomAD compares: Non-Finnish European, 0.68%; 25 homozygotes.

Submissions (9):

CeGaT Center for Human Genetics Tuebingen
Classification: Likely benign. Last evaluated: 2026-09-01. Review status: criteria provided, single submitter. Criteria: CeGaT Center For Human Genetics Tuebingen Variant Classification Criteria Version 2. Collection method: clinical testing. Allele origin: germline. Affected: yes. Observed: 16 variant alleles.
Comment: ALDH3A2: BS2

Labcorp Genetics (formerly Invitae), Labcorp
Classification: Benign. Last evaluated: 2026-02-04. Review status: criteria provided, single submitter. Criteria: Invitae Variant Classification Sherloc (09022015). Collection method: clinical testing. Allele origin: germline.

Blueprint Genetics
Classification: Likely benign. Last evaluated: 2024-11-26. Review status: criteria provided, single submitter. Criteria: ACMG Guidelines, 2015. Collection method: clinical testing. Allele origin: germline.

GeneDx
Classification: Likely benign. Last evaluated: 2021-09-23. Review status: criteria provided, single submitter. Criteria: GeneDx Variant Classification Process June 2021. Collection method: clinical testing. Allele origin: germline. Affected: yes.
Comment: See Variant Classification Assertion Criteria.

Illumina Laboratory Services, Illumina
Classification: Uncertain significance for Sjögren-Larsson syndrome. Last evaluated: 2017-04-27. Review status: criteria provided, single submitter. Criteria: ICSL Variant Classification Criteria 13 December 2019. Collection method: clinical testing. Allele origin: germline.

Women's Health and Genetics/Laboratory Corporation of America, LabCorp
Classification: Benign. Last evaluated: 2016-07-25. Review status: criteria provided, single submitter. Criteria: LabCorp Variant Classification Summary - May 2015. Collection method: clinical testing. Allele origin: germline.
Comment: Variant summary: The ALDH3A2 c.28C>G (p.Gln10Glu) variant causes a missense change involving a non-conserved nucleotide with 4/4 in silico tools (SNPs&GO not captured due to low reliability index) predicting a benign outcome, although these predictions have yet to be functionally assessed. The variant of interest was found in the large, broad control population, ExAC, with an allele frequency of 265/30662 (1/115, 1 homozygote), predominantly in the European (Non-Finnish) cohort, 249/14168 (1/56). Therefore, suggesting the variant of interest is a common polymorphism found in populations of European (Non-Finnish) origin. The variant of interest has not, to our knowledge, been reported in affected individuals via publications and/or reputable databases/clinical laboratories. Therefore, taking all available lines of evidence into consideration, the variant of interest has been classified as Benign.

PreventionGenetics, part of Exact Sciences
Classification: Likely benign for ALDH3A2-related condition. Last evaluated: 2020-03-03. Review status: no assertion criteria provided. Collection method: clinical testing. Allele origin: germline. Not counted in ClinVar's aggregate classification.
Comment: This variant is classified as likely benign based on ACMG/AMP sequence variant interpretation guidelines (Richards et al. 2015 PMID: 25741868, with internal and published modifications).

Diagnostic Laboratory, Department of Genetics, University Medical Center Groningen
Classification: Likely benign. Review status: no assertion criteria provided. Collection method: clinical testing. Allele origin: germline. Affected: yes. Study: VKGL Data-share Consensus. Not counted in ClinVar's aggregate classification.

Laboratory of Diagnostic Genome Analysis, Leiden University Medical Center (LUMC)
Classification: Likely benign. Review status: no assertion criteria provided. Collection method: clinical testing. Allele origin: germline. Affected: yes. Study: VKGL Data-share Consensus. Not counted in ClinVar's aggregate classification.